The following is an entry in ClinVar:

ClinVar aggregate classification (germline): Uncertain significance (1 of 4 stars; one submission).

Allele frequency attached by ClinVar (database versions not stated): ExAC 0.00001; gnomAD 0.00003; TOPMed 0.00003.
gnomAD v4.1: 57 of 1,613,452 alleles (0.0035%); highest among the groups gnomAD compares: Admixed American, 0.005%; no homozygotes.

Submission:

Labcorp Genetics (formerly Invitae), Labcorp
Classification: Uncertain significance. Last evaluated: 2025-10-21. Review status: criteria provided, single submitter. Criteria: Invitae Variant Classification Sherloc (09022015). Collection method: clinical testing. Allele origin: germline.
Comment: This sequence change replaces glutamic acid, which is acidic and polar, with glutamine, which is neutral and polar, at codon 621 of the ADAMTSL4 protein (p.Glu621Gln). This variant also falls at the last nucleotide of exon 11, which is part of the consensus splice site for this exon. This variant is present in population databases (rs757815493, gnomAD 0.006%). This variant has not been reported in the literature in individuals affected with ADAMTSL4-related conditions. ClinVar contains an entry for this variant (Variation ID: 2075790). An algorithm developed to predict the effect of missense changes on protein structure and function (PolyPhen-2) suggests that this variant is likely to be disruptive. Variants that disrupt the consensus splice site are a relatively common cause of aberrant splicing (PMID: 17576681, 9536098). Algorithms developed to predict the effect of sequence changes on RNA splicing suggest that this variant may disrupt the consensus splice site. In summary, the available evidence is currently insufficient to determine the role of this variant in disease. Therefore, it has been classified as a Variant of Uncertain Significance.

Literature cited by the submitters: PubMed 17576681; PubMed 9536098.

NM_019032.6(ADAMTSL4):c.1861G>C (p.Glu621Gln)

Genes: ADAMTSL4 (ADAMTS like 4; plus strand), ADAMTSL4-AS2 (ADAMTSL4 antisense RNA 2; minus strand). Cytogenetic location: 1q21.2.
Variant type: single nucleotide variant.
Coding change: c.1861G>C on transcript NM_019032.6 (MANE Select); coding-DNA position 1861, G replaced by C.
Protein change: p.Glu621Gln; replaces glutamic acid 621 with glutamine.
Molecular consequence: missense variant. On other transcripts: intron variant (1).
Genome position (GRCh38, 1-based): chr1:150,557,050, G>C. VCF-style: chr1-150557050-G-C. GRCh37 (hg19) VCF-style: chr1-150529526-G-C.
Other names: c.1930G>C, p.Glu644Gln (NM_001288608.2); c.1861G>C, p.Glu621Gln (NM_001378596.1, NM_025008.5); c.1856+74G>C (NM_001288607.2); short protein forms E644Q, E621Q.
Identifiers: ClinVar variation 2075790 (VCV002075790.2), dbSNP rs757815493, ClinGen allele CA1078421.